The following is an entry in ClinVar:

ClinVar aggregate classification (germline): Pathogenic (1 of 4 stars; one submission).

Submission:

Labcorp Genetics (formerly Invitae), Labcorp
Classification: Pathogenic. Last evaluated: 2023-07-28. Review status: criteria provided, single submitter. Criteria: Invitae Variant Classification Sherloc (09022015). Collection method: clinical testing. Allele origin: germline.
Comment: This variant has not been reported in the literature in individuals affected with TBCE-related conditions. This variant is a gross deletion of the genomic region encompassing exon(s) 7-15 of the TBCE gene. This deletion is out-of-frame, and is expected to create a premature termination codon and result in an absent or disrupted protein product. Loss-of-function variants in TBCE are known to be pathogenic (PMID: 27666369, 34134906, 34356170). For these reasons, this variant has been classified as Pathogenic.

Literature cited by the submitters: PubMed 27666369; PubMed 34134906; PubMed 34356170.

NC_000001.10:g.(?_235594000)_(235606246_?)del

Gene: TBCE (tubulin folding cofactor E; plus strand). Cytogenetic location: 1q42.3.
Variant type: Deletion.
Identifiers: ClinVar variation 1374332 (VCV001374332.6).